The following is an entry in ClinVar:

ClinVar aggregate classification (germline): Uncertain significance (1 of 4 stars; one submission).

Submission:

Women's Health and Genetics/Laboratory Corporation of America, LabCorp
Classification: Uncertain significance. Last evaluated: 2025-05-08. Review status: criteria provided, single submitter. Criteria: LabCorp Variant Classification Summary - May 2015. Collection method: clinical testing. Allele origin: germline.
Comment: Variant summary: ADGRV1 c.18478T>C (p.Cys6160Arg) results in a non-conservative amino acid change in the encoded protein sequence. Algorithms developed to predict the effect of missense changes on protein structure and function are either unavailable or do not agree on the potential impact of this missense change. The variant was absent in 164912 control chromosomes. The available data on variant occurrences in the general population are insufficient to allow any conclusion about variant significance. To our knowledge, no occurrence of c.18478T>C in individuals affected with ADGRV1-Related Disorders and no experimental evidence demonstrating its impact on protein function have been reported. No submitters have cited clinical-significance assessments for this variant to ClinVar. Based on the evidence outlined above, the variant was classified as uncertain significance.

NM_032119.4(ADGRV1):c.18478T>C (p.Cys6160Arg)

Gene: ADGRV1 (adhesion G protein-coupled receptor V1; plus strand). Cytogenetic location: 5q14.3.
Variant type: single nucleotide variant.
Coding change: c.18478T>C on transcript NM_032119.4 (MANE Select); coding-DNA position 18478, T replaced by C.
Protein change: p.Cys6160Arg; replaces cysteine 6160 with arginine.
Molecular consequence: missense variant. On other transcripts: non-coding transcript variant (1).
Genome position (GRCh38, 1-based): chr5:91,150,075, T>C. VCF-style: chr5-91150075-T-C. GRCh37 (hg19) VCF-style: chr5-90445892-T-C.
Other names: short protein forms C6160R.
Identifiers: ClinVar variation 3902385 (VCV003902385.1).